The following is an entry in ClinVar:

ClinVar aggregate classification (germline): Conflicting classifications of pathogenicity. Review status: criteria provided, conflicting classifications (1 of 4 stars). 4 submissions from 4 submitters: Uncertain significance (2); Benign (1); Likely benign (1). Last evaluated 2026-07-01.

Allele frequency attached by ClinVar (database versions not stated): 1000 Genomes Project 0.00020; 1000 Genomes Project 30x 0.00031; ExAC 0.00073; ESP Exome Variant Server 0.00100.
gnomAD v4.1: 1,557 of 1,614,056 alleles (0.096%); highest among the groups gnomAD compares: Non-Finnish European, 0.11%; 1 homozygote.

Submissions (4):

CeGaT Center for Human Genetics Tuebingen
Classification: Benign. Last evaluated: 2026-07-01. Review status: criteria provided, single submitter. Criteria: CeGaT Center For Human Genetics Tuebingen Variant Classification Criteria Version 2. Collection method: clinical testing. Allele origin: germline. Affected: yes. Observed: 3 variant alleles.
Comment: FAT2: BS1, BS2

Labcorp Genetics (formerly Invitae), Labcorp
Classification: Uncertain significance. Last evaluated: 2025-09-11. Review status: criteria provided, single submitter. Criteria: Invitae Variant Classification Sherloc (09022015). Collection method: clinical testing. Allele origin: germline.
Comment: This sequence change replaces alanine, which is neutral and non-polar, with threonine, which is neutral and polar, at codon 4305 of the FAT2 protein (p.Ala4305Thr). This variant is present in population databases (rs145577993, gnomAD 0.2%), and has an allele count higher than expected for a pathogenic variant. This variant has not been reported in the literature in individuals affected with FAT2-related conditions. ClinVar contains an entry for this variant (Variation ID: 2022917). An algorithm developed to predict the effect of missense changes on protein structure and function (PolyPhen-2) suggests that this variant is likely to be disruptive. In summary, the available evidence is currently insufficient to determine the role of this variant in disease. Therefore, it has been classified as a Variant of Uncertain Significance.

Blueprint Genetics
Classification: Likely benign. Last evaluated: 2024-11-25. Review status: criteria provided, single submitter. Criteria: ACMG Guidelines, 2015. Collection method: clinical testing. Allele origin: germline.

Ambry Genetics
Classification: Uncertain significance. Last evaluated: 2021-09-27. Review status: criteria provided, single submitter. Criteria: Ambry Variant Classification Scheme 2023. Collection method: clinical testing. Allele origin: germline.

NM_001447.3(FAT2):c.12913G>A (p.Ala4305Thr)

Genes: FAT2 (FAT atypical cadherin 2; minus strand), SLC36A1 (solute carrier family 36 member 1; plus strand). Cytogenetic location: 5q33.1.
Variant type: single nucleotide variant.
Coding change: c.12913G>A on transcript NM_001447.3 (MANE Select); coding-DNA position 12913, G replaced by A.
Protein change: p.Ala4305Thr; replaces alanine 4305 with threonine.
Molecular consequence: missense variant.
Genome position (GRCh38, 1-based): chr5:151,505,702, C>T on the plus strand (G>A on the coding strand, the complement: FAT2 is on the minus strand). VCF-style: chr5-151505702-C-T. GRCh37 (hg19) VCF-style: chr5-150885263-C-T.
Other names: c.12913G>A (NM_001447.2); short protein forms A4305T.
Identifiers: ClinVar variation 2022917 (VCV002022917.30), dbSNP rs145577993, ClinGen allele CA3519643.
Genomic context (GRCh38, chr5:151,505,702, plus strand): 5'-GCTGGCCCTGGCCTGCAAGAGGTGCCCCCTCCACCTCACAGACAGCATAAGAGGGCCCAG[C>T]TCGGCTGAGGCGCATACCCACCCCCTTGTAGCCCCCGTCTGCCAGGCAGGGCCCTCCCCC-3'
Protein context (NP_001438.1, residues 4295-4315): YKGVGMRLSR[Ala4305Thr]GPSYAVCEVE